The following is an entry in ClinVar:

NM_000138.5(FBN1):c.47T>C (p.Leu16Pro)

Genes: FBN1 (fibrillin 1; minus strand), LOC130057019 (ATAC-STARR-seq lymphoblastoid silent region 6417; plus strand). Cytogenetic location: 15q21.1.
Variant type: single nucleotide variant.
Coding change: c.47T>C on transcript NM_000138.5 (MANE Select); coding-DNA position 47, T replaced by C.
Protein change: p.Leu16Pro; replaces leucine 16 with proline.
Molecular consequence: missense variant.
Genome position (GRCh38, 1-based): chr15:48,644,723, A>G on the plus strand (T>C on the coding strand, the complement: FBN1 is on the minus strand). VCF-style: chr15-48644723-A-G. GRCh37 (hg19) VCF-style: chr15-48936920-A-G.
Other names: c.47T>C, p.Leu16Pro (NM_001406716.1, NM_001406717.1, NM_001406718.1); short protein forms L16P.
Identifiers: ClinVar variation 2587625 (VCV002587625.3), dbSNP rs1555407424, ClinGen allele CA392453853.

ClinVar aggregate classification (germline): Likely pathogenic. Review status: criteria provided, single submitter (1 of 4 stars). 2 submissions from 2 submitters: Likely pathogenic (1). 1 of the submissions does not count toward it. Last evaluated 2024-01-30.

Conditions:
Familial thoracic aortic aneurysm and aortic dissection (TAAD). Also called: Thoracic aortic aneurysms and dissections. Identifiers: Orphanet 91387, MedGen C4707243, MONDO:0019625.
Marfan syndrome (MFS). Also called: MARFAN SYNDROME, TYPE I; Marfan syndrome type 1; Marfan's syndrome; Marfan syndrome, classic; FBN1-Related Marfan Syndrome. Identifiers: Orphanet 284963, Orphanet 558, MedGen C0024796, MONDO:0007947, OMIM 154700.

Submissions (2):

Ambry Genetics
Classification: Likely pathogenic for Familial thoracic aortic aneurysm and aortic dissection. Last evaluated: 2024-01-30. Review status: criteria provided, single submitter. Criteria: Ambry Variant Classification Scheme 2023. Collection method: clinical testing. Allele origin: germline.
Comment: The p.L16P variant (also known as c.47T>C), located in coding exon 1 of the FBN1 gene, results from a T to C substitution at nucleotide position 47. The leucine at codon 16 is replaced by proline, an amino acid with similar properties. This variant is considered to be rare based on population cohorts in the Genome Aggregation Database (gnomAD). This amino acid position is well conserved in available vertebrate species. In addition, this alteration is predicted to be deleterious by in silico analysis. Since supporting evidence is limited at this time, the clinical significance of this alteration remains unclear.

Department of Laboratory Medicine and Genetics, Samsung Medical Center
Classification: Likely pathogenic for Marfan syndrome. Last evaluated: 2025-01-02. Review status: no assertion criteria provided. Collection method: clinical testing. Allele origin: germline. Affected: yes. Not counted in ClinVar's aggregate classification.
Comment: The NM_000138.5:c.47T>C is considered to be rare in the general population database (gnomAD v2.1.1). According to the ClinGen guidance for PP1/BS4 and PP4 criteria (PMID: 38103548), PP4 with weighted strength was applied. In summary, this variant was classified as a likely pathogenic variant for Marfan syndrome (PP2, PP4 with weighted strength, PM2_P).